The following is an entry in ClinVar:

NM_080732.4(EGLN2):c.374G>T (p.Gly125Val)

Genes: EGLN2 (egl-9 family hypoxia inducible factor 2; plus strand), RAB4B-EGLN2 (RAB4B-EGLN2 readthrough (NMD candidate); plus strand). Cytogenetic location: 19q13.2.
Variant type: single nucleotide variant.
Coding change: c.374G>T on transcript NM_080732.4 (MANE Select); coding-DNA position 374, G replaced by T.
Protein change: p.Gly125Val; replaces glycine 125 with valine.
Molecular consequence: missense variant. On other transcripts: non-coding transcript variant (1).
Genome position (GRCh38, 1-based): chr19:40,800,946, G>T. VCF-style: chr19-40800946-G-T. GRCh37 (hg19) VCF-style: chr19-41306851-G-T.
Other names: c.374G>T, p.Gly125Val (NM_053046.4); short protein forms G125V.
Identifiers: ClinVar variation 3507265 (VCV003507265.1).

ClinVar aggregate classification (germline): Uncertain significance (1 of 4 stars; one submission).

Submission:

Ambry Genetics
Classification: Uncertain significance. Last evaluated: 2024-07-17. Review status: criteria provided, single submitter. Criteria: Ambry Variant Classification Scheme 2023. Collection method: clinical testing. Allele origin: germline.
Comment: The p.G125V variant (also known as c.374G>T), located in coding exon 1 of the EGLN2 gene, results from a G to T substitution at nucleotide position 374. The glycine at codon 125 is replaced by valine, an amino acid with dissimilar properties. This amino acid position is conserved. In addition, this alteration is predicted to be tolerated by in silico analysis. Based on the available evidence, the clinical significance of this variant remains unclear.